The following is an entry in ClinVar:

NM_000368.5(TSC1):c.2891A>T (p.Asp964Val)

Gene: TSC1 (TSC complex subunit 1; minus strand). Cytogenetic location: 9q34.13.
Variant type: single nucleotide variant.
Coding change: c.2891A>T on transcript NM_000368.5 (MANE Select); coding-DNA position 2891, A replaced by T.
Protein change: p.Asp964Val; replaces aspartic acid 964 with valine.
Molecular consequence: missense variant.
Genome position (GRCh38, 1-based): chr9:132,897,268, T>A on the plus strand (A>T on the coding strand, the complement: TSC1 is on the minus strand). VCF-style: chr9-132897268-T-A. GRCh37 (hg19) VCF-style: chr9-135772655-T-A.
Other names: c.2888A>T, p.Asp963Val (NM_001162426.2); c.2738A>T, p.Asp913Val (NM_001162427.2); c.2528A>T, p.Asp843Val (NM_001362177.2); short protein forms D964V, D843V, D913V, D963V.
Identifiers: ClinVar variation 534424 (VCV000534424.10), dbSNP rs1554813302, ClinGen allele CA375368774.
Genomic context (GRCh38, chr9:132,897,268, plus strand): 5'-TCTGCTTTTTCTTCTTCAAGTTTTTTCAGGAGGCCATCTTTCTCCAACCTGCCATATAAA[T>A]CTAAGATCTCCAATTCAAACACCTGGGTTATCCTTTTCTGAGCCTCATACCTGCTCTCTG-3'
Protein context (NP_000359.1, residues 954-974): ITQVFELEIL[Asp964Val]LYGRLEKDGL

ClinVar aggregate classification (germline): Uncertain significance. Review status: criteria provided, multiple submitters, no conflicts (2 of 4 stars). 3 submissions from 3 submitters: Uncertain significance (3). Last evaluated 2021-11-12.

Conditions:
Tuberous sclerosis 1 (TSC1). Identifiers: Orphanet 805, MedGen C1854465, MONDO:0008612, OMIM 191100.

Submissions (3):

Labcorp Genetics (formerly Invitae), Labcorp
Classification: Uncertain significance for Tuberous sclerosis 1. Last evaluated: 2021-11-12. Review status: criteria provided, single submitter. Criteria: Invitae Variant Classification Sherloc (09022015). Collection method: clinical testing. Allele origin: germline.
Comment: This sequence change replaces aspartic acid, which is acidic and polar, with valine, which is neutral and non-polar, at codon 964 of the TSC1 protein (p.Asp964Val). In summary, the available evidence is currently insufficient to determine the role of this variant in disease. Therefore, it has been classified as a Variant of Uncertain Significance. Algorithms developed to predict the effect of missense changes on protein structure and function are either unavailable or do not agree on the potential impact of this missense change (SIFT: "Tolerated"; PolyPhen-2: "Possibly Damaging"; Align-GVGD: "Class C0"). ClinVar contains an entry for this variant (Variation ID: 534424). This variant has not been reported in the literature in individuals affected with TSC1-related conditions. This variant is not present in population databases (gnomAD no frequency).

Genome-Nilou Lab
Classification: Uncertain significance for Tuberous sclerosis 1. Last evaluated: 2021-11-07. Review status: criteria provided, single submitter. Criteria: ACMG Guidelines, 2015. Collection method: clinical testing. Allele origin: germline. Affected: no.

GeneDx
Classification: Uncertain significance. Last evaluated: 2021-01-07. Review status: criteria provided, single submitter. Criteria: GeneDx Variant Classification Process June 2021. Collection method: clinical testing. Allele origin: germline. Affected: yes.
Comment: Not observed in large population cohorts (Lek et al., 2016); In silico analysis supports that this missense variant does not alter protein structure/function; Has not been previously published as pathogenic or benign to our knowledge